The following is an entry in ClinVar:

ClinVar aggregate classification (germline): Conflicting classifications of pathogenicity. Review status: criteria provided, conflicting classifications (1 of 4 stars). 4 submissions from 4 submitters: Uncertain significance (3); Benign (1). Last evaluated 2025-07-06.

Conditions:
Arrhythmogenic cardiomyopathy with wooly hair and keratoderma. Also called: Dilated cardiomyopathy with woolly hair and keratoderma; PALMOPLANTAR KERATODERMA WITH LEFT VENTRICULAR CARDIOMYOPATHY AND WOOLLY HAIR; Arrhythmogenic cardiomyopathy with woolly hair and keratoderma; Carvajal syndrome. Identifiers: Orphanet 65282, MedGen C1854063, MONDO:0011581, OMIM 605676.
Arrhythmogenic right ventricular dysplasia 8 (ARVD8). Also called: Arrhythmogenic Right Ventricular Dysplasia/Cardiomyopathy 8; ARRHYTHMOGENIC RIGHT VENTRICULAR DYSPLASIA, FAMILIAL, 8; ARRHYTHMOGENIC RIGHT VENTRICULAR CARDIOMYOPATHY 8. Identifiers: MedGen C1843896, MONDO:0011831, OMIM 607450.
Cardiomyopathy (CMYO). Also called: Cardiomyopathies. Identifiers: Orphanet 167848, MedGen C0878544, MONDO:0004994, HP:0001638. Inheritance: Various modes of inheritance.

Allele frequency attached by ClinVar (database versions not stated): TOPMed 0.00002; ExAC 0.00003; gnomAD exomes 0.00001 and 0.00005.
gnomAD v4.1: 9 of 1,613,918 alleles (0.00056%); highest among the groups gnomAD compares: East Asian, 0.016%; no homozygotes.

Submissions (4):

Labcorp Genetics (formerly Invitae), Labcorp
Classification: Benign for Arrhythmogenic cardiomyopathy with wooly hair and keratoderma; Arrhythmogenic right ventricular dysplasia 8. Last evaluated: 2025-07-06. Review status: criteria provided, single submitter. Criteria: Invitae Variant Classification Sherloc (09022015). Collection method: clinical testing. Allele origin: germline.

GeneDx
Classification: Uncertain significance. Last evaluated: 2024-07-01. Review status: criteria provided, single submitter. Criteria: GeneDx Variant Classification Process June 2021. Collection method: clinical testing. Allele origin: germline. Affected: yes.
Comment: In silico analysis supports that this missense variant has a deleterious effect on protein structure/function; Has not been previously published as pathogenic or benign to our knowledge

Color Diagnostics, LLC DBA Color Health
Classification: Uncertain significance for Cardiomyopathy. Last evaluated: 2024-01-05. Review status: criteria provided, single submitter. Criteria: ACMG Guidelines, 2015. Collection method: clinical testing. Allele origin: germline.
Comment: This missense variant replaces aspartic acid with glycine at codon 345 of the DSP protein. Computational prediction suggests that this variant may have deleterious impact on protein structure and function (internally defined REVEL score threshold >= 0.7, PMID: 27666373). To our knowledge, functional studies have not been reported for this variant. This variant has not been reported in individuals affected with cardiovascular disorders in the literature. This variant has been identified in 12/250782 chromosomes in the general population by the Genome Aggregation Database (gnomAD). The available evidence is insufficient to determine the role of this variant in disease conclusively. Therefore, this variant is classified as a Variant of Uncertain Significance.

Stanford Center for Inherited Cardiovascular Disease, Stanford University
Classification: Uncertain significance. Last evaluated: 2017-08-01. Review status: criteria provided, single submitter. Criteria: ACMG Guidelines, 2015. Collection method: provider interpretation. Allele origin: germline.

NM_004415.4(DSP):c.1034A>G (p.Asp345Gly)

Gene: DSP (desmoplakin; plus strand). Cytogenetic location: 6p24.3.
Variant type: single nucleotide variant.
Coding change: c.1034A>G on transcript NM_004415.4 (MANE Select); coding-DNA position 1034, A replaced by G.
Protein change: p.Asp345Gly; replaces aspartic acid 345 with glycine.
Molecular consequence: missense variant.
Genome position (GRCh38, 1-based): chr6:7,566,471, A>G. VCF-style: chr6-7566471-A-G. GRCh37 (hg19) VCF-style: chr6-7566704-A-G.
Other names: c.1034A>G, p.Asp345Gly (NM_001008844.3, NM_001319034.2); c.1034A>G (LRG_423t1); short protein forms D345G.
Identifiers: ClinVar variation 465878 (VCV000465878.16), dbSNP rs753855393, ClinGen allele CA026696.
Genomic context (GRCh38, chr6:7,566,471, plus strand): 5'-AGCTCAATAAGCTGAAACAAGAAAGTGACCAACTTGTCCTCAATCAGCATCCAGCTTCAG[A>G]CAAAATTGAGGTAGGCTTCATGAGGTTTATATTTTTGTTAGAAAAAAAAAAACTTTTCAT-3'
Protein context (NP_004406.2, residues 335-355): QLVLNQHPAS[Asp345Gly]KIEAYMDTLQ